The following is an entry in ClinVar:

ClinVar aggregate classification (germline): Uncertain significance. Review status: criteria provided, multiple submitters, no conflicts (2 of 4 stars). 2 submissions from 2 submitters: Uncertain significance (2). Last evaluated 2023-08-15.

Conditions:
Hypokalemic periodic paralysis, type 1. Also called: HypoPP; Hypokalemic Periodic Paralysis Type 1 (AD). Identifiers: Orphanet 681, MedGen C3714580, MONDO:0042979, OMIM 170400.
Malignant hyperthermia, susceptibility to, 5 (MHS5). Also called: CACNA1S-Related Malignant Hyperthermia Susceptibility. Identifiers: Orphanet 423, MedGen C1866077, MONDO:0011163, OMIM 601887.

Submissions (2):

All of Us Research Program, National Institutes of Health
Classification: Uncertain significance for Malignant hyperthermia, susceptibility to, 5. Last evaluated: 2023-08-15. Review status: criteria provided, single submitter. Criteria: ACMG Guidelines, 2015. Collection method: clinical testing. Allele origin: germline. Inheritance: Autosomal dominant inheritance. Observed: 1 variant allele, 1 heterozygote.
Comment: This missense variant replaces glycine with aspartic acid at codon 279 of the CACNA1S protein. Computational prediction suggests that this variant may have deleterious impact on protein structure and function (internally defined REVEL score threshold >= 0.7, PMID: 27666373). To our knowledge, functional studies have not been reported for this variant. This variant has not been reported in individuals affected with CACNA1S-related disorders in the literature. This variant has not been identified in the general population by the Genome Aggregation Database (gnomAD). The available evidence is insufficient to determine the role of this variant in disease conclusively. Therefore, this variant is classified as a Variant of Uncertain Significance.

This study involves interpretation of variants in research participants for the purpose of population health screening. Participant phenotype was not available at the time of variant classification. Additional details can be found in publication PMID: 35346344, PMCID: PMC8962531

Labcorp Genetics (formerly Invitae), Labcorp
Classification: Uncertain significance for Hypokalemic periodic paralysis, type 1; Malignant hyperthermia, susceptibility to, 5. Last evaluated: 2022-10-13. Review status: criteria provided, single submitter. Criteria: Invitae Variant Classification Sherloc (09022015). Collection method: clinical testing. Allele origin: germline.
Comment: This variant is not present in population databases (gnomAD no frequency). In summary, the available evidence is currently insufficient to determine the role of this variant in disease. Therefore, it has been classified as a Variant of Uncertain Significance. Advanced modeling of protein sequence and biophysical properties (such as structural, functional, and spatial information, amino acid conservation, physicochemical variation, residue mobility, and thermodynamic stability) performed at Invitae indicates that this missense variant is not expected to disrupt CACNA1S protein function. ClinVar contains an entry for this variant (Variation ID: 1496208). This variant has not been reported in the literature in individuals affected with CACNA1S-related conditions. This sequence change replaces glycine, which is neutral and non-polar, with aspartic acid, which is acidic and polar, at codon 279 of the CACNA1S protein (p.Gly279Asp).

NM_000069.3(CACNA1S):c.836G>A (p.Gly279Asp)

Gene: CACNA1S (calcium voltage-gated channel subunit alpha1 S; minus strand). Cytogenetic location: 1q32.1.
Variant type: single nucleotide variant.
Coding change: c.836G>A on transcript NM_000069.3 (MANE Select); coding-DNA position 836, G replaced by A.
Protein change: p.Gly279Asp; replaces glycine 279 with aspartic acid.
Molecular consequence: missense variant.
Genome position (GRCh38, 1-based): chr1:201,089,322, C>T on the plus strand (G>A on the coding strand, the complement: CACNA1S is on the minus strand). VCF-style: chr1-201089322-C-T. GRCh37 (hg19) VCF-style: chr1-201058450-C-T.
Other names: short protein forms G279D.
Identifiers: ClinVar variation 1496208 (VCV001496208.7), dbSNP rs868243518, ClinGen allele CA35993753.